The following is an entry in ClinVar:

ClinVar aggregate classification (germline): Uncertain significance. Review status: criteria provided, multiple submitters, no conflicts (2 of 4 stars). 2 submissions from 2 submitters: Uncertain significance (2). Last evaluated 2023-04-06.

Conditions:
Hereditary cancer-predisposing syndrome. Also called: Hereditary Cancer Syndrome; Hereditary neoplastic syndrome; Tumor predisposition; Neoplastic Syndromes, Hereditary. Identifiers: Orphanet 140162, MedGen C0027672, MeSH D009386, MONDO:0015356.
Hereditary nonpolyposis colorectal neoplasms. Identifiers: MedGen C0009405, MeSH D003123.

Submissions (2):

Labcorp Genetics (formerly Invitae), Labcorp
Classification: Uncertain significance for Hereditary nonpolyposis colorectal neoplasms. Last evaluated: 2023-04-06. Review status: criteria provided, single submitter. Criteria: Invitae Variant Classification Sherloc (09022015). Collection method: clinical testing. Allele origin: germline.
Comment: The frequency data for this variant in the population databases (gnomAD) is considered unreliable due to the presence of homologous sequence, such as pseudogenes or paralogs, in the genome. This sequence change replaces cysteine, which is neutral and slightly polar, with phenylalanine, which is neutral and non-polar, at codon 843 of the PMS2 protein (p.Cys843Phe). This variant has not been reported in the literature in individuals affected with PMS2-related conditions. In summary, the available evidence is currently insufficient to determine the role of this variant in disease. Therefore, it has been classified as a Variant of Uncertain Significance. Advanced modeling of protein sequence and biophysical properties (such as structural, functional, and spatial information, amino acid conservation, physicochemical variation, residue mobility, and thermodynamic stability) performed at Invitae indicates that this missense variant is expected to disrupt PMS2 protein function. ClinVar contains an entry for this variant (Variation ID: 1792621).

Ambry Genetics
Classification: Uncertain significance for Hereditary cancer-predisposing syndrome. Last evaluated: 2019-09-10. Review status: criteria provided, single submitter. Criteria: Ambry Variant Classification Scheme 2023. Collection method: clinical testing. Allele origin: germline.
Comment: The p.C843F variant (also known as c.2528G>T), located in coding exon 15 of the PMS2 gene, results from a G to T substitution at nucleotide position 2528. The cysteine at codon 843 is replaced by phenylalanine, an amino acid with highly dissimilar properties. This amino acid position is highly conserved in available vertebrate species. In addition, this alteration is predicted to be deleterious by in silico analysis. Since supporting evidence is limited at this time, the clinical significance of this alteration remains unclear.

NM_000535.7(PMS2):c.2528G>T (p.Cys843Phe)

Gene: PMS2 (PMS1 homolog 2, mismatch repair system component; minus strand). Cytogenetic location: 7p22.1.
Variant type: single nucleotide variant.
Coding change: c.2528G>T on transcript NM_000535.7 (MANE Select); coding-DNA position 2528, G replaced by T.
Protein change: p.Cys843Phe; replaces cysteine 843 with phenylalanine.
Molecular consequence: missense variant. On other transcripts: non-coding transcript variant (1).
Genome position (GRCh38, 1-based): chr7:5,973,460, C>A on the plus strand (G>T on the coding strand, the complement: PMS2 is on the minus strand). VCF-style: chr7-5973460-C-A. GRCh37 (hg19) VCF-style: chr7-6013091-C-A.
Other names: c.2123G>T, p.Cys708Phe (NM_001018040.1, NM_001322003.2, NM_001322004.2 and 12 more transcripts); c.2372G>T, p.Cys791Phe (NM_001322006.2); c.2210G>T, p.Cys737Phe (NM_001322007.2, NM_001322008.2, NM_001406883.1); c.2156G>T, p.Cys719Phe (NM_001322009.2, NM_001406887.1, NM_001406888.1); c.1967G>T, p.Cys656Phe (NM_001322010.2, NM_001406906.1, NM_001406907.1); c.1595G>T, p.Cys532Phe (NM_001322011.2, NM_001322012.2); c.1955G>T, p.Cys652Phe (NM_001322013.2, NM_001406908.1, NM_001406909.1); c.2561G>T, p.Cys854Phe (NM_001322014.2); and 20 more; short protein forms C532F, C586F, C652F, C672F, C735F, C737F, C802F, C843F.
Identifiers: ClinVar variation 1792621 (VCV001792621.5), dbSNP rs267608174, ClinGen allele CA366734861.